The following is an entry in ClinVar:

NM_022166.4(XYLT1):c.434A>C (p.Lys145Thr)

Genes: XYLT1 (xylosyltransferase 1; minus strand), LOC130058566 (ATAC-STARR-seq lymphoblastoid active region 10505; plus strand). Cytogenetic location: 16p12.3.
Variant type: single nucleotide variant.
Coding change: c.434A>C on transcript NM_022166.4 (MANE Select); coding-DNA position 434, A replaced by C.
Protein change: p.Lys145Thr; replaces lysine 145 with threonine.
Molecular consequence: missense variant.
Genome position (GRCh38, 1-based): chr16:17,259,467, T>G on the plus strand (A>C on the coding strand, the complement: XYLT1 is on the minus strand). VCF-style: chr16-17259467-T-G. GRCh37 (hg19) VCF-style: chr16-17353324-T-G.
Other names: short protein forms K145T.
Identifiers: ClinVar variation 847360 (VCV000847360.8), dbSNP rs760513040, ClinGen allele CA7928195.

ClinVar aggregate classification (germline): Uncertain significance. Review status: criteria provided, multiple submitters, no conflicts (2 of 4 stars). 2 submissions from 2 submitters: Uncertain significance (2). Last evaluated 2024-12-04.

Conditions:
Desbuquois dysplasia 1 (DBQD1). Also called: MICROMELIC DWARFISM WITH VERTEBRAL AND METAPHYSEAL ABNORMALITIES AND ADVANCED CARPOTARSAL OSSIFICATION; DESBUQUOIS DYSPLASIA 1, KIM VARIANT. Identifiers: Orphanet 1425, MedGen C4012146, MONDO:0009629, OMIM 251450.
Inborn genetic diseases. Identifiers: MedGen C0950123, MeSH D030342.

Allele frequency attached by ClinVar (database versions not stated): ExAC 0.00001; gnomAD 0.00002 and 0.00003; TOPMed 0.00004; gnomAD exomes 0.00005 and 0.00008.
gnomAD v4.1: 33 of 1,611,262 alleles (0.002%); highest among the groups gnomAD compares: Admixed American, 0.053%; no homozygotes.

Submissions (2):

Ambry Genetics
Classification: Uncertain significance for Inborn genetic diseases. Last evaluated: 2024-12-04. Review status: criteria provided, single submitter. Criteria: Ambry Variant Classification Scheme 2023. Collection method: clinical testing. Allele origin: germline.

Labcorp Genetics (formerly Invitae), Labcorp
Classification: Uncertain significance for Desbuquois dysplasia 1. Last evaluated: 2022-08-06. Review status: criteria provided, single submitter. Criteria: Invitae Variant Classification Sherloc (09022015). Collection method: clinical testing. Allele origin: germline.
Comment: This sequence change replaces lysine, which is basic and polar, with threonine, which is neutral and polar, at codon 145 of the XYLT1 protein (p.Lys145Thr). This variant is present in population databases (rs760513040, gnomAD 0.08%). This variant has not been reported in the literature in individuals affected with XYLT1-related conditions. ClinVar contains an entry for this variant (Variation ID: 847360). Algorithms developed to predict the effect of missense changes on protein structure and function are either unavailable or do not agree on the potential impact of this missense change (SIFT: "Deleterious"; PolyPhen-2: "Probably Damaging"; Align-GVGD: "Class C0"). In summary, the available evidence is currently insufficient to determine the role of this variant in disease. Therefore, it has been classified as a Variant of Uncertain Significance.